The following is an entry in ClinVar:

ClinVar aggregate classification (germline): Uncertain significance (1 of 4 stars; one submission).

gnomAD v4.1: 2 of 1,614,192 alleles (0.00012%); highest among the groups gnomAD compares: Non-Finnish European, 0.00017%; no homozygotes.

Submission:

CeGaT Center for Human Genetics Tuebingen
Classification: Uncertain significance. Last evaluated: 2024-10-01. Review status: criteria provided, single submitter. Criteria: CeGaT Center For Human Genetics Tuebingen Variant Classification Criteria Version 2. Collection method: clinical testing. Allele origin: germline. Affected: yes. Observed: 1 variant allele.
Comment: TULP4: PM2, BP4

NM_020245.5(TULP4):c.1519G>A (p.Val507Met)

Gene: TULP4 (TUB like protein 4; plus strand). Cytogenetic location: 6q25.3.
Variant type: single nucleotide variant.
Coding change: c.1519G>A on transcript NM_020245.5 (MANE Select); coding-DNA position 1519, G replaced by A.
Protein change: p.Val507Met; replaces valine 507 with methionine.
Molecular consequence: missense variant.
Genome position (GRCh38, 1-based): chr6:158,489,620, G>A. VCF-style: chr6-158489620-G-A. GRCh37 (hg19) VCF-style: chr6-158910652-G-A.
Other names: c.1519G>A, p.Val507Met (NM_001007466.3); short protein forms V507M.
Identifiers: ClinVar variation 3389295 (VCV003389295.14).
Genomic context (GRCh38, chr6:158,489,620, plus strand): 5'-TGAAATCTGCTGGTTGGTGTTTTACCAGATGAAATCTATGGGAACAGCTTGATTTCTACT[G>A]TGATCGACAGCTGCAACTGCTCAGACTCCAGTGACATTGAGCTGAGTGATGACTGGGCTG-3'
Protein context (NP_064630.2, residues 497-517): EIYGNSLIST[Val507Met]IDSCNCSDSS